The following is an entry in ClinVar:

NM_000191.3(HMGCL):c.238A>T (p.Lys80Ter)

Gene: HMGCL (3-hydroxy-3-methylglutaryl-CoA lyase; minus strand). Cytogenetic location: 1p36.11.
Variant type: single nucleotide variant.
Coding change: c.238A>T on transcript NM_000191.3 (MANE Select); coding-DNA position 238, A replaced by T.
Protein change: p.Lys80Ter; replaces lysine 80 with a stop codon.
Molecular consequence: nonsense.
Genome position (GRCh38, 1-based): chr1:23,817,490, T>A on the plus strand (A>T on the coding strand, the complement: HMGCL is on the minus strand). VCF-style: chr1-23817490-T-A. GRCh37 (hg19) VCF-style: chr1-24143980-T-A.
Other names: c.238A>T, p.Lys80Ter (NM_001166059.2); short protein forms K80*.
Identifiers: ClinVar variation 5013638 (VCV005013638.1).

ClinVar aggregate classification (germline): Pathogenic (1 of 4 stars; one submission).

Conditions:
Deficiency of hydroxymethylglutaryl-CoA lyase (HMGCLD). Also called: Defect in leucine metabolism; 3-hydroxy-3-methylglutaric aciduria; HMG-CoA LYASE DEFICIENCY; HMGCL DEFICIENCY; HYDROXYMETHYLGLUTARIC ACIDURIA. Identifiers: Orphanet 20, MedGen C1533587, MONDO:0009520, OMIM 246450.

Submission:

Myriad Genetics, Inc.
Classification: Pathogenic for Deficiency of hydroxymethylglutaryl-CoA lyase. Last evaluated: 2024-10-13. Review status: criteria provided, single submitter. Criteria: Myriad Autosomal Dominant, Autosomal Recessive and X-Linked Classification Criteria (2023). Collection method: clinical testing. Allele origin: unknown.
Comment: NM_000191.2(HMGCL):c.238A>T(K80*) is expected to be pathogenic in the context of HMG-CoA lyase deficiency. This variant is predicted to lead to an abnormal or absent protein product due to the creation of a premature termination codon in HMGCL, a gene where loss-of-function variants are known to be pathogenic. Please note: this variant was assessed in the context of healthy population screening.